The following is an entry in ClinVar:

ClinVar aggregate classification (germline): Uncertain significance (1 of 4 stars; one submission).

Conditions:
Hereditary pancreatitis (PCTT). Also called: Hereditary chronic pancreatitis; PRSS1-Related Hereditary Pancreatitis. Identifiers: Orphanet 676, MedGen C0238339, MONDO:0008185, OMIM 167800.

Submission:

Ambry Genetics
Classification: Uncertain significance for Hereditary pancreatitis. Last evaluated: 2024-08-31. Review status: criteria provided, single submitter. Criteria: Ambry Variant Classification Scheme 2023. Collection method: clinical testing. Allele origin: germline.
Comment: The p.G159C variant (also known as c.475G>T), located in coding exon 5 of the CTRC gene, results from a G to T substitution at nucleotide position 475. The glycine at codon 159 is replaced by cysteine, an amino acid with highly dissimilar properties. This amino acid position is conserved. In addition, this alteration is predicted to be deleterious by in silico analysis. Based on the available evidence, the clinical significance of this variant remains unclear.

NM_007272.3(CTRC):c.475G>T (p.Gly159Cys)

Gene: CTRC (chymotrypsin C; plus strand). Cytogenetic location: 1p36.21.
Variant type: single nucleotide variant.
Coding change: c.475G>T on transcript NM_007272.3 (MANE Select); coding-DNA position 475, G replaced by T.
Protein change: p.Gly159Cys; replaces glycine 159 with cysteine.
Molecular consequence: missense variant.
Genome position (GRCh38, 1-based): chr1:15,443,537, G>T. VCF-style: chr1-15443537-G-T. GRCh37 (hg19) VCF-style: chr1-15770032-G-T.
Other names: short protein forms G159C.
Identifiers: ClinVar variation 3498401 (VCV003498401.1).
Genomic context (GRCh38, chr1:15,443,537, plus strand): 5'-GTGGCCTGCCTGCCAGAGAAGGACTCCCTGCTCCCCAAGGACTACCCCTGCTATGTCACC[G>T]GCTGGGGCCGCCTCTGGAGTGAGTATCGTCCCTGGCAAATCCTGAGAGCCTTCCTGAAGG-3'
Protein context (NP_009203.2, residues 149-169): LPKDYPCYVT[Gly159Cys]WGRLWTNGPI